The following is an entry in ClinVar:

NM_001609.4(ACADSB):c.796G>A (p.Glu266Lys)

Gene: ACADSB (acyl-CoA dehydrogenase short/branched chain; plus strand). Cytogenetic location: 10q26.13.
Variant type: single nucleotide variant.
Coding change: c.796G>A on transcript NM_001609.4 (MANE Select); coding-DNA position 796, G replaced by A.
Protein change: p.Glu266Lys; replaces glutamic acid 266 with lysine.
Molecular consequence: missense variant.
Genome position (GRCh38, 1-based): chr10:123,043,160, G>A. VCF-style: chr10-123043160-G-A. GRCh37 (hg19) VCF-style: chr10-124802676-G-A.
Other names: c.490G>A, p.Glu164Lys (NM_001330174.3); short protein forms E164K, E266K.
Identifiers: ClinVar variation 1054106 (VCV001054106.9), dbSNP rs1266747835, ClinGen allele CA378619431.

ClinVar aggregate classification (germline): Uncertain significance (1 of 4 stars; one submission).

Conditions:
Deficiency of 2-methylbutyryl-CoA dehydrogenase (ACADSB). Also called: 2-methylbutyryl-CoA dehydrogenase deficiency; SBCAD deficiency; 2-methylbutyric aciduria; Short branched-chain acyl-CoA dehydrogenase deficiency; 2-methylbutyrylglycinuria. Identifiers: Orphanet 79157, MedGen C1864912, MONDO:0012392, OMIM 610006, HP:0020147.

Allele frequency attached by ClinVar (database versions not stated): gnomAD 0.00001; gnomAD exomes 0.00001 and 0.00002.
gnomAD v4.1: 37 of 1,613,624 alleles (0.0023%); highest among the groups gnomAD compares: South Asian, 0.0044%; no homozygotes.

Submission:

Labcorp Genetics (formerly Invitae), Labcorp
Classification: Uncertain significance for Deficiency of 2-methylbutyryl-CoA dehydrogenase. Last evaluated: 2020-02-27. Review status: criteria provided, single submitter. Criteria: Invitae Variant Classification Sherloc (09022015). Collection method: clinical testing. Allele origin: germline.
Comment: This sequence change replaces glutamic acid with lysine at codon 266 of the ACADSB protein (p.Glu266Lys). The glutamic acid residue is weakly conserved and there is a small physicochemical difference between glutamic acid and lysine. This variant is not present in population databases (ExAC no frequency). This variant has not been reported in the literature in individuals with ACADSB-related conditions. Algorithms developed to predict the effect of missense changes on protein structure and function output the following: SIFT: "Tolerated"; PolyPhen-2: "Benign"; Align-GVGD: "Class C0". The lysine amino acid residue is found in multiple mammalian species, suggesting that this missense change does not adversely affect protein function. These predictions have not been confirmed by published functional studies and their clinical significance is uncertain. In summary, the available evidence is currently insufficient to determine the role of this variant in disease. Therefore, it has been classified as a Variant of Uncertain Significance.